The following is an entry in ClinVar:

GRCh37/hg19 1q41(chr1:218253812-223932158)x1

Genes: AIDA (axin interactor, dorsalization associated; minus strand), BPNT1 (3'(2'), 5'-bisphosphate nucleotidase 1; minus strand), BROX (BRO1 domain and CAAX motif containing; plus strand), C1orf115 (chromosome 1 open reading frame 115; plus strand), CAPN2 (calpain 2; plus strand) and 23 more. Cytogenetic location: 1q41.
Variant type: copy number loss.
Change: copy number 1 (one copy instead of two) of chr1:218,253,812-223,932,158 (5.68 Mb, GRCh37 coordinates, 1-based), cytogenetic band 1q41.
Identifiers: ClinVar variation 4682498 (VCV004682498.1).

ClinVar aggregate classification (germline): Pathogenic (1 of 4 stars; one submission).

Submission:

Quest Diagnostics Nichols Institute San Juan Capistrano
Classification: Pathogenic. Last evaluated: 2024-10-13. Review status: criteria provided, single submitter. Criteria: ACMG/ClinGen CNV Guidelines, 2019. Collection method: clinical testing. Allele origin: unknown.
Comment: This 1q41 deletion involves at least 27 protein-coding genes. Heterozygous variants of TGFB2, as well as deletions of 1q41 that include TGFB2, have been associated with Loeys-Dietz syndrome type 4 (OMIM 614816; Fontana 2014, Fry 2022, Gaspar 2017, Lindsay 2012, Nistri 2021, Schepers 2018). Additionally, this copy number loss partially overlaps the larger 1q41q42 microdeletion syndrome region (OMIM 612530) and partially overlaps the smallest region of overlap (SRO) reported amongst individuals in multiple publications (Jun 2013, Rosenfeld 2011, Shaffer 2007). Smaller heterozygous deletions within the current interval have been reported in individuals with variable phenotypes (Guo 2019, Jun 2013, Rosenfeld 2011). There are no similar copy number losses of this region in the general populations of the Database of Genomic Variants (DGV). Therefore, this copy number variant (CNV) is classified as pathogenic. References: Fontana et al., Gene. 2014 Mar 15;538(1):69-73. PMID: 24440784 Fry et al., Am J Med Genet A. 2022 Jul;188(7):2237-2241. PMID: 35426477 Gaspar et al., Am J Med Genet A. 2017 Aug;173(8):2289-2292. PMID: 28544325 Guo et al., Genet Med. 2019 Jul;21(7):1611-1620. PMID: 30504930 Jun et al., Eur J Med Genet. 2013 Jun;56(6):309-13. PMID: 23542665 Lindsay et al., Nat Genet. 2012 Jul 8;44(8):922-7. PMID: 22772368 Nistri et al., Genes (Basel). 2021 Sep 22;12(10):1462. PMID: 34680857 Rosenfeld et al., Eur J Med Genet. 2011 Jan-Feb;54(1):42-9. PMID: 20951845 Schepers et al., Hum Mutat. 2018 May;39(5):621-634. PMID: 29392890 Shaffer et al., Genet Med. 2007 Sep;9(9):607-16. PMID: 17873649